The following is an entry in ClinVar:

NM_014109.4(ATAD2):c.808G>A (p.Asp270Asn)

Gene: ATAD2 (ATPase family AAA domain containing 2; minus strand). Cytogenetic location: 8q24.13.
Variant type: single nucleotide variant.
Coding change: c.808G>A on transcript NM_014109.4 (MANE Select); coding-DNA position 808, G replaced by A.
Protein change: p.Asp270Asn; replaces aspartic acid 270 with asparagine.
Molecular consequence: missense variant.
Genome position (GRCh38, 1-based): chr8:123,369,944, C>T on the plus strand (G>A on the coding strand, the complement: ATAD2 is on the minus strand). VCF-style: chr8-123369944-C-T. GRCh37 (hg19) VCF-style: chr8-124382184-C-T.
Other names: short protein forms D270N.
Identifiers: ClinVar variation 2658792 (VCV002658792.24), dbSNP rs117211505, ClinGen allele CA4865809.
Genomic context (GRCh38, chr8:123,369,944, plus strand): 5'-TCTCTTCTTCTCCATCTTCTTCATCTTCATCATCTTCATCATCATCATCATCATCATCAT[C>T]GTCATCATCATCATCATCTTCATCATCTTCATCTTCACCATCATCTTCATGTTCTTGGTC-3'
Protein context (NP_054828.2, residues 260-280): EDDEDDDDDD[Asp270Asn]DDDDDDDEDD

ClinVar aggregate classification (germline): Likely benign (1 of 4 stars; one submission).

Allele frequency attached by ClinVar (database versions not stated): 1000 Genomes Project 0.00399; TOPMed 0.00504; gnomAD 0.00629; ESP Exome Variant Server 0.00654.
gnomAD v4.1: 11,466 of 1,577,584 alleles (0.73%); highest among the groups gnomAD compares: Non-Finnish European, 0.83%; 61 homozygotes.

Submission:

CeGaT Center for Human Genetics Tuebingen
Classification: Likely benign. Last evaluated: 2022-11-01. Review status: criteria provided, single submitter. Criteria: CeGaT Center For Human Genetics Tuebingen Variant Classification Criteria Version 2. Collection method: clinical testing. Allele origin: germline. Affected: yes. Observed: 1 variant allele.
Comment: ATAD2: BP4, BS2